The following is an entry in ClinVar:

ClinVar aggregate classification (germline): Uncertain significance. Review status: criteria provided, multiple submitters, no conflicts (2 of 4 stars). 4 submissions from 4 submitters: Uncertain significance (3). 1 of the submissions does not count toward it. Last evaluated 2026-01-05.

Conditions:
Cardiomyopathy (CMYO). Also called: Cardiomyopathies. Identifiers: Orphanet 167848, MedGen C0878544, MONDO:0004994, HP:0001638. Inheritance: Various modes of inheritance.
Dystrophin deficiency.
Duchenne muscular dystrophy (DMD). Also called: MUSCULAR DYSTROPHY, PSEUDOHYPERTROPHIC PROGRESSIVE, DUCHENNE TYPE; Duchenne Muscular Dystrophy (DMD). Identifiers: Orphanet 98896, MedGen C0013264, MONDO:0010679, OMIM 310200.
Becker muscular dystrophy (BMD). Also called: Becker Muscular Dystrophy (BMD); MUSCULAR DYSTROPHY, PSEUDOHYPERTROPHIC PROGRESSIVE, BECKER TYPE. Identifiers: Orphanet 98895, MedGen C0917713, MONDO:0010311, OMIM 300376.
Cardiovascular phenotype. Identifiers: MedGen CN230736.
Dilated cardiomyopathy 3B (CMD3B). Also called: CMD3B: DMD-Related Dilated Cardiomyopathy; CARDIOMYOPATHY, DILATED, X-LINKED; DMD-Associated Dilated Cardiomyopathy. Identifiers: Orphanet 154, MedGen C3668940, MONDO:0010542, OMIM 302045.

Allele frequency attached by ClinVar (database versions not stated): TOPMed 0.00001; ExAC 0.00002; gnomAD exomes 0.00002; 1000 Genomes Project 30x 0.00021; 1000 Genomes Project 0.00026.
gnomAD v4.1: 12 of 1,209,131 alleles (0.00099%); highest among the groups gnomAD compares: South Asian, 0.0035%; no homozygotes.

Submissions (4):

Labcorp Genetics (formerly Invitae), Labcorp
Classification: Uncertain significance for Duchenne muscular dystrophy. Last evaluated: 2026-01-05. Review status: criteria provided, single submitter. Criteria: Invitae Variant Classification Sherloc (09022015). Collection method: clinical testing. Allele origin: germline.
Comment: This sequence change replaces alanine, which is neutral and non-polar, with valine, which is neutral and non-polar, at codon 1010 of the DMD protein (p.Ala1010Val). This variant is present in population databases (rs780896933, gnomAD 0.008%). This variant has not been reported in the literature in individuals affected with DMD-related conditions. ClinVar contains an entry for this variant (Variation ID: 1043233). Invitae Evidence Modeling of protein sequence and biophysical properties (such as structural, functional, and spatial information, amino acid conservation, physicochemical variation, residue mobility, and thermodynamic stability) indicates that this missense variant is not expected to disrupt DMD protein function with a negative predictive value of 95%. In summary, the available evidence is currently insufficient to determine the role of this variant in disease. Therefore, it has been classified as a Variant of Uncertain Significance.

Ambry Genetics
Classification: Uncertain significance for Cardiovascular phenotype. Last evaluated: 2022-11-17. Review status: criteria provided, single submitter. Criteria: Ambry Variant Classification Scheme 2023. Collection method: clinical testing. Allele origin: germline.
Comment: The p.A1010V variant (also known as c.3029C>T), located in coding exon 23 of the DMD gene, results from a C to T substitution at nucleotide position 3029. The alanine at codon 1010 is replaced by valine, an amino acid with similar properties. Based on data from gnomAD, the T allele has an overall frequency of 0.0016% (3/182510) total alleles studied, with no hemizygotes observed. The highest observed frequency was 0.0076% (1/13143) of African/African American alleles. This amino acid position is highly conserved in available vertebrate species. In addition, this alteration is predicted to be tolerated by in silico analysis. Since supporting evidence is limited at this time, the clinical significance of this alteration remains unclear.

Fulgent Genetics
Classification: Uncertain significance for Becker muscular dystrophy; Dilated cardiomyopathy 3B; Duchenne muscular dystrophy. Last evaluated: 2021-08-17. Review status: criteria provided, single submitter. Criteria: ACMG Guidelines, 2015. Collection method: clinical testing. Allele origin: unknown.

Natera, Inc.
Classification: Uncertain significance for Becker muscular dystrophy; Cardiomyopathy; Duchenne muscular dystrophy; Dystrophin deficiency. Last evaluated: 2020-05-11. Review status: no assertion criteria provided. Collection method: clinical testing. Allele origin: germline. Not counted in ClinVar's aggregate classification.

NM_004006.3(DMD):c.3029C>T (p.Ala1010Val)

Gene: DMD (dystrophin; minus strand). Cytogenetic location: Xp21.1.
Variant type: single nucleotide variant.
Coding change: c.3029C>T on transcript NM_004006.3 (MANE Select); coding-DNA position 3029, C replaced by T.
Protein change: p.Ala1010Val; replaces alanine 1010 with valine.
Molecular consequence: missense variant.
Genome position (GRCh38, 1-based): chrX:32,468,631, G>A on the plus strand (C>T on the coding strand, the complement: DMD is on the minus strand). VCF-style: chrX-32468631-G-A. GRCh37 (hg19) VCF-style: chrX-32486748-G-A.
Other names: c.3029C>T (NM_004006.2); c.3005C>T, p.Ala1002Val (NM_000109.4); c.3017C>T, p.Ala1006Val (NM_004009.3); c.2660C>T, p.Ala887Val (NM_004010.3); short protein forms A1006V, A1002V, A1010V, A887V.
Identifiers: ClinVar variation 1043233 (VCV001043233.9), dbSNP rs780896933, ClinGen allele CA10379371.